The following is an entry in ClinVar:

ClinVar aggregate classification (germline): Uncertain significance. Review status: criteria provided, multiple submitters, no conflicts (2 of 4 stars). 2 submissions from 2 submitters: Uncertain significance (2). Last evaluated 2024-08-09.

Conditions:
Intellectual developmental disorder, autosomal dominant 1. Also called: MBD5 Haploinsufficiency; Intellectual disability, autosomal dominant 1. Identifiers: Orphanet 228402, MedGen C1969562, MONDO:0007974, OMIM 156200.

Submissions (2):

GeneDx
Classification: Uncertain significance. Last evaluated: 2024-08-09. Review status: criteria provided, single submitter. Criteria: GeneDx Variant Classification Process June 2021. Collection method: clinical testing. Allele origin: germline. Affected: yes.
Comment: Not observed at significant frequency in large population cohorts (gnomAD); In silico analysis supports that this missense variant does not alter protein structure/function; Has not been previously published as pathogenic or benign to our knowledge

Labcorp Genetics (formerly Invitae), Labcorp
Classification: Uncertain significance for Intellectual developmental disorder, autosomal dominant 1. Last evaluated: 2022-12-16. Review status: criteria provided, single submitter. Criteria: Invitae Variant Classification Sherloc (09022015). Collection method: clinical testing. Allele origin: germline.
Comment: In summary, the available evidence is currently insufficient to determine the role of this variant in disease. Therefore, it has been classified as a Variant of Uncertain Significance. Advanced modeling of protein sequence and biophysical properties (such as structural, functional, and spatial information, amino acid conservation, physicochemical variation, residue mobility, and thermodynamic stability) performed at Invitae indicates that this missense variant is not expected to disrupt MBD5 protein function. This variant has not been reported in the literature in individuals affected with MBD5-related conditions. This variant is not present in population databases (gnomAD no frequency). This sequence change replaces leucine, which is neutral and non-polar, with proline, which is neutral and non-polar, at codon 631 of the MBD5 protein (p.Leu631Pro).

NM_001378120.1(MBD5):c.1892T>C (p.Leu631Pro)

Gene: MBD5 (methyl-CpG binding domain protein 5; plus strand). Cytogenetic location: 2q23.1.
Variant type: single nucleotide variant.
Coding change: c.1892T>C on transcript NM_001378120.1 (MANE Select); coding-DNA position 1892, T replaced by C.
Protein change: p.Leu631Pro; replaces leucine 631 with proline.
Molecular consequence: missense variant.
Genome position (GRCh38, 1-based): chr2:148,469,835, T>C. VCF-style: chr2-148469835-T-C. GRCh37 (hg19) VCF-style: chr2-149227404-T-C.
Other names: c.1892T>C, p.Leu631Pro (NM_018328.5); c.1892T>C (NM_018328.4); short protein forms L631P.
Identifiers: ClinVar variation 2805280 (VCV002805280.4), dbSNP rs2469870648, ClinGen allele CA348720667.